The following is an entry in ClinVar:

ClinVar aggregate classification (germline): Likely benign. Review status: criteria provided, multiple submitters, no conflicts (2 of 4 stars). 2 submissions from 2 submitters: Likely benign (2). Last evaluated 2026-08-01.

Allele frequency attached by ClinVar (database versions not stated): 1000 Genomes Project 30x 0.00047; ExAC 0.00009; gnomAD exomes 0.00009; TOPMed 0.00015; gnomAD 0.00017 and 0.00018; ESP Exome Variant Server 0.00038; 1000 Genomes Project 0.00040.
gnomAD v4.1: 88 of 1,613,222 alleles (0.0055%); highest among the groups gnomAD compares: African/African-American, 0.041%; no homozygotes.

Submissions (2):

CeGaT Center for Human Genetics Tuebingen
Classification: Likely benign. Last evaluated: 2026-08-01. Review status: criteria provided, single submitter. Criteria: CeGaT Center For Human Genetics Tuebingen Variant Classification Criteria Version 2. Collection method: clinical testing. Allele origin: germline. Affected: yes. Observed: 3 variant alleles.
Comment: HSPG2: BP4, BP7

Labcorp Genetics (formerly Invitae), Labcorp
Classification: Likely benign. Last evaluated: 2025-03-17. Review status: criteria provided, single submitter. Criteria: Invitae Variant Classification Sherloc (09022015). Collection method: clinical testing. Allele origin: germline.

NM_005529.7(HSPG2):c.4755C>T (p.Asn1585=)

Gene: HSPG2 (heparan sulfate proteoglycan 2; minus strand). Cytogenetic location: 1p36.12.
Variant type: single nucleotide variant.
Coding change: c.4755C>T on transcript NM_005529.7 (MANE Select); coding-DNA position 4755, C replaced by T.
Protein change: p.Asn1585=; no amino-acid change (asparagine 1585 retained).
Molecular consequence: synonymous variant.
Genome position (GRCh38, 1-based): chr1:21,862,101, G>A on the plus strand (C>T on the coding strand, the complement: HSPG2 is on the minus strand). VCF-style: chr1-21862101-G-A. GRCh37 (hg19) VCF-style: chr1-22188594-G-A.
Other names: c.4758C>T, p.Asn1586= (NM_001291860.2).
Identifiers: ClinVar variation 1658996 (VCV001658996.32), dbSNP rs142756395, ClinGen allele CA672170.